The following is an entry in ClinVar:

NM_001130823.3(DNMT1):c.4379T>C (p.Val1460Ala)

Gene: DNMT1 (DNA methyltransferase 1; minus strand). Cytogenetic location: 19p13.2.
Variant type: single nucleotide variant.
Coding change: c.4379T>C on transcript NM_001130823.3 (MANE Select); coding-DNA position 4379, T replaced by C.
Protein change: p.Val1460Ala; replaces valine 1460 with alanine.
Molecular consequence: missense variant.
Genome position (GRCh38, 1-based): chr19:10,137,195, A>G on the plus strand (T>C on the coding strand, the complement: DNMT1 is on the minus strand). VCF-style: chr19-10137195-A-G. GRCh37 (hg19) VCF-style: chr19-10247871-A-G.
Other names: c.4331T>C, p.Val1444Ala (NM_001318730.2, NM_001379.4); c.4016T>C, p.Val1339Ala (NM_001318731.2); short protein forms V1339A, V1444A, V1460A.
Identifiers: ClinVar variation 3905908 (VCV003905908.10).

ClinVar aggregate classification (germline): Uncertain significance (1 of 4 stars; one submission).

Submission:

CeGaT Center for Human Genetics Tuebingen
Classification: Uncertain significance. Last evaluated: 2025-05-01. Review status: criteria provided, single submitter. Criteria: CeGaT Center For Human Genetics Tuebingen Variant Classification Criteria Version 2. Collection method: clinical testing. Allele origin: germline. Affected: yes. Observed: 1 variant allele.
Comment: DNMT1: PM2